The following is an entry in ClinVar:

NM_000548.5(TSC2):c.1100G>T (p.Arg367Leu)

Gene: TSC2 (TSC complex subunit 2; plus strand). Cytogenetic location: 16p13.3.
Variant type: single nucleotide variant.
Coding change: c.1100G>T on transcript NM_000548.5 (MANE Select); coding-DNA position 1100, G replaced by T.
Protein change: p.Arg367Leu; replaces arginine 367 with leucine.
Molecular consequence: missense variant.
Genome position (GRCh38, 1-based): chr16:2,060,794, G>T. VCF-style: chr16-2060794-G-T. GRCh37 (hg19) VCF-style: chr16-2110795-G-T.
Other names: c.1100G>T, p.Arg367Leu (NM_001077183.3, NM_001114382.3, NM_001363528.2 and 3 more transcripts); c.989G>T, p.Arg330Leu (NM_001318827.2); c.953G>T, p.Arg318Leu (NM_001318829.2); c.500G>T, p.Arg167Leu (NM_001318831.2); c.1133G>T, p.Arg378Leu (NM_001318832.2); short protein forms R167L, R318L, R330L, R367L, R378L.
Identifiers: ClinVar variation 1024808 (VCV001024808.9), dbSNP rs1800725, ClinGen allele CA394318256.

ClinVar aggregate classification (germline): Uncertain significance (1 of 4 stars; one submission).

Conditions:
Tuberous sclerosis 2 (TSC2). Identifiers: Orphanet 805, MedGen C1860707, MONDO:0013199, OMIM 613254.

Submissions (2):

Labcorp Genetics (formerly Invitae), Labcorp
Classification: Uncertain significance for Tuberous sclerosis 2. Last evaluated: 2020-07-15. Review status: criteria provided, single submitter. Criteria: Invitae Variant Classification Sherloc (09022015). Collection method: clinical testing. Allele origin: germline.
Comment: In summary, the available evidence is currently insufficient to determine the role of this variant in disease. Therefore, it has been classified as a Variant of Uncertain Significance. Advanced modeling of protein sequence and biophysical properties (such as structural, functional, and spatial information, amino acid conservation, physicochemical variation, residue mobility, and thermodynamic stability) performed at Invitae indicates that this missense variant is not expected to disrupt TSC2 protein function. This variant has not been reported in the literature in individuals with TSC2-related conditions. This variant is not present in population databases (ExAC no frequency). This sequence change replaces arginine with leucine at codon 367 of the TSC2 protein (p.Arg367Leu). The arginine residue is highly conserved and there is a moderate physicochemical difference between arginine and leucine.

Dr. Peter K. Rogan Lab, Western University
No classification provided (evidence only). Condition: Ovarian serous cystadenocarcinoma. Review status: no classification provided. Collection method: in vitro. Allele origin: not applicable. Functional consequence: retained intron. Not counted in ClinVar's aggregate classification.